The following is an entry in ClinVar:

ClinVar aggregate classification (germline): Conflicting classifications of pathogenicity. Review status: criteria provided, conflicting classifications (1 of 4 stars). 3 submissions from 3 submitters: Uncertain significance (2); Likely benign (1). Last evaluated 2025-03-31.

Conditions:
Inborn genetic diseases. Identifiers: MedGen C0950123, MeSH D030342.

Allele frequency attached by ClinVar (database versions not stated): gnomAD 0.00001; gnomAD exomes 0.00001; TOPMed 0.00003.
gnomAD v4.1: 17 of 1,613,920 alleles (0.0011%); highest among the groups gnomAD compares: Admixed American, 0.005%; no homozygotes.

Submissions (3):

Labcorp Genetics (formerly Invitae), Labcorp
Classification: Uncertain significance. Last evaluated: 2025-03-31. Review status: criteria provided, single submitter. Criteria: Invitae Variant Classification Sherloc (09022015). Collection method: clinical testing. Allele origin: germline.
Comment: This sequence change replaces arginine, which is basic and polar, with tryptophan, which is neutral and slightly polar, at codon 25 of the PDYN protein (p.Arg25Trp). This variant is present in population databases (no rsID available, gnomAD 0.003%). This variant has not been reported in the literature in individuals affected with PDYN-related conditions. ClinVar contains an entry for this variant (Variation ID: 2420616). Invitae Evidence Modeling of protein sequence and biophysical properties (such as structural, functional, and spatial information, amino acid conservation, physicochemical variation, residue mobility, and thermodynamic stability) indicates that this missense variant is not expected to disrupt PDYN protein function with a negative predictive value of 80%. In summary, the available evidence is currently insufficient to determine the role of this variant in disease. Therefore, it has been classified as a Variant of Uncertain Significance.

Ambry Genetics
Classification: Uncertain significance for Inborn genetic diseases. Last evaluated: 2025-02-13. Review status: criteria provided, single submitter. Criteria: Ambry Variant Classification Scheme 2023. Collection method: clinical testing. Allele origin: germline.

CeGaT Center for Human Genetics Tuebingen
Classification: Likely benign. Last evaluated: 2022-09-01. Review status: criteria provided, single submitter. Criteria: CeGaT Center For Human Genetics Tuebingen Variant Classification Criteria Version 2. Collection method: clinical testing. Allele origin: germline. Affected: yes. Observed: 1 variant allele.
Comment: PDYN: BP4

NM_024411.5(PDYN):c.73C>T (p.Arg25Trp)

Genes: PDYN (prodynorphin; minus strand), PDYN-AS1 (PDYN antisense RNA 1; plus strand). Cytogenetic location: 20p13.
Variant type: single nucleotide variant.
Coding change: c.73C>T on transcript NM_024411.5 (MANE Select); coding-DNA position 73, C replaced by T.
Protein change: p.Arg25Trp; replaces arginine 25 with tryptophan.
Molecular consequence: missense variant.
Genome position (GRCh38, 1-based): chr20:1,983,012, G>A on the plus strand (C>T on the coding strand, the complement: PDYN is on the minus strand). VCF-style: chr20-1983012-G-A. GRCh37 (hg19) VCF-style: chr20-1963658-G-A.
Other names: c.73C>T (NM_024411.4); c.73C>T, p.Arg25Trp (NM_001190892.1, NM_001190898.3, NM_001190899.2 and 1 more transcripts); short protein forms R25W.
Identifiers: ClinVar variation 2420616 (VCV002420616.31), dbSNP rs1028619685, ClinGen allele CA310827457.